The following is an entry in ClinVar:

NM_020988.3(GNAO1):c.161+8C>T

Genes: GNAO1 (G protein subunit alpha o1; plus strand), GNAO1-AS1 (GNAO1 antisense RNA 1; minus strand). Cytogenetic location: 16q13.
Variant type: single nucleotide variant.
Coding change: c.161+8C>T on transcript NM_020988.3 (MANE Select); 8 bases into the intron after coding-DNA position 161, C replaced by T.
Molecular consequence: intron variant. On other transcripts: non-coding transcript variant (1).
Genome position (GRCh38, 1-based): chr16:56,192,624, C>T. VCF-style: chr16-56192624-C-T. GRCh37 (hg19) VCF-style: chr16-56226536-C-T.
Other names: c.161+8C>T (NM_138736.3).
Identifiers: ClinVar variation 415873 (VCV000415873.18), dbSNP rs145872570, ClinGen allele CA8063664.

ClinVar aggregate classification (germline): Benign. Review status: criteria provided, multiple submitters, no conflicts (2 of 4 stars). 5 submissions from 5 submitters: Benign (4). 1 of the submissions does not count toward it. Last evaluated 2026-02-02.

Conditions:
GNAO1-related disorder. Also called: GNAO1-related condition; GNAO1-Related Disorders. Identifiers: MedGen CN381308.
Early-infantile DEE. Also called: Early infantile epileptic encephalopathy; Ohtahara syndrome; Early infantile epileptic encephalopathy with suppression bursts. Identifiers: Orphanet 1934, MedGen C0393706, MONDO:0800491.

Allele frequency attached by ClinVar (database versions not stated): ExAC 0.00226; gnomAD 0.00641; 1000 Genomes Project 0.00679; 1000 Genomes Project 30x 0.00703; TOPMed 0.00722; ESP Exome Variant Server 0.00769.
gnomAD v4.1: 1,882 of 1,550,386 alleles (0.12%); highest among the groups gnomAD compares: African/African-American, 2.3%; 25 homozygotes.

Submissions (5):

Labcorp Genetics (formerly Invitae), Labcorp
Classification: Benign for Early-infantile DEE. Last evaluated: 2026-02-02. Review status: criteria provided, single submitter. Criteria: Invitae Variant Classification Sherloc (09022015). Collection method: clinical testing. Allele origin: germline.

ARUP Laboratories, Molecular Genetics and Genomics, ARUP Laboratories
Classification: Benign. Last evaluated: 2025-03-13. Review status: criteria provided, single submitter. Criteria: ARUP Molecular Germline Variant Investigation Process 2024. Collection method: clinical testing. Allele origin: germline.

Athena Diagnostics
Classification: Benign. Last evaluated: 2017-11-20. Review status: criteria provided, single submitter. Criteria: Athena Diagnostics Criteria. Collection method: clinical testing. Allele origin: germline.

Breakthrough Genomics
Classification: Benign. Review status: criteria provided, single submitter. Criteria: ACMG Guidelines, 2015. Collection method: not provided. Allele origin: germline. Inheritance: Autosomal dominant inheritance. Affected: yes.

PreventionGenetics, part of Exact Sciences
Classification: Benign for GNAO1-related condition. Last evaluated: 2019-04-10. Review status: no assertion criteria provided. Collection method: clinical testing. Allele origin: germline. Not counted in ClinVar's aggregate classification.
Comment: This variant is classified as benign based on ACMG/AMP sequence variant interpretation guidelines (Richards et al. 2015 PMID: 25741868, with internal and published modifications).